The following is an entry in ClinVar:

NM_006767.4(LZTR1):c.557A>T (p.Lys186Met)

Gene: LZTR1 (leucine zipper like post translational regulator 1; plus strand). Cytogenetic location: 22q11.21.
Variant type: single nucleotide variant.
Coding change: c.557A>T on transcript NM_006767.4 (MANE Select); coding-DNA position 557, A replaced by T.
Protein change: p.Lys186Met; replaces lysine 186 with methionine.
Molecular consequence: missense variant.
Genome position (GRCh38, 1-based): chr22:20,988,836, A>T. VCF-style: chr22-20988836-A-T. GRCh37 (hg19) VCF-style: chr22-21343125-A-T.
Other names: short protein forms K186M.
Identifiers: ClinVar variation 2447759 (VCV002447759.2), dbSNP rs140521929, ClinGen allele CA10118488.

ClinVar aggregate classification (germline): Uncertain significance (1 of 4 stars; one submission).

Conditions:
Cardiovascular phenotype. Identifiers: MedGen CN230736.
Hereditary cancer-predisposing syndrome. Also called: Neoplastic Syndromes, Hereditary; Hereditary Cancer Syndrome; Tumor predisposition; Hereditary neoplastic syndrome. Identifiers: Orphanet 140162, MedGen C0027672, MeSH D009386, MONDO:0015356.

Allele frequency attached by ClinVar (database versions not stated): gnomAD exomes below 0.00001; ExAC 0.00001; ESP Exome Variant Server 0.00008.
gnomAD v4.1: 1 of 1,614,116 alleles (0.000062%); highest among the groups gnomAD compares: South Asian, 0.0011%; no homozygotes.

Submission:

Ambry Genetics
Classification: Uncertain significance for Cardiovascular phenotype; Hereditary cancer-predisposing syndrome. Last evaluated: 2023-03-07. Review status: criteria provided, single submitter. Criteria: Ambry Variant Classification Scheme 2023. Collection method: clinical testing. Allele origin: germline.
Comment: The p.K186M variant (also known as c.557A>T), located in coding exon 6 of the LZTR1 gene, results from an A to T substitution at nucleotide position 557. The lysine at codon 186 is replaced by methionine, an amino acid with similar properties. This amino acid position is highly conserved in available vertebrate species. In addition, the in silico prediction for this alteration is inconclusive. Since supporting evidence is limited at this time, the clinical significance of this alteration remains unclear.